The following is an entry in ClinVar:

NM_000046.5(ARSB):c.166G>A (p.Gly56Ser)

Genes: ARSB (arylsulfatase B; minus strand), LOC129994126 (ATAC-STARR-seq lymphoblastoid silent region 16127; plus strand). Cytogenetic location: 5q14.1.
Variant type: single nucleotide variant.
Coding change: c.166G>A on transcript NM_000046.5 (MANE Select); coding-DNA position 166, G replaced by A.
Protein change: p.Gly56Ser; replaces glycine 56 with serine.
Molecular consequence: missense variant.
Genome position (GRCh38, 1-based): chr5:78,985,083, C>T on the plus strand (G>A on the coding strand, the complement: ARSB is on the minus strand). VCF-style: chr5-78985083-C-T. GRCh37 (hg19) VCF-style: chr5-78280906-C-T.
Other names: c.166G>A, p.Gly56Ser (NM_198709.3); short protein forms G56S.
Identifiers: ClinVar variation 2798356 (VCV002798356.3), dbSNP rs2530669901, ClinGen allele CA360196902.

ClinVar aggregate classification (germline): Likely pathogenic (1 of 4 stars; one submission).

Conditions:
Mucopolysaccharidosis type 6 (MPS6). Also called: MPS 6; Maroteaux Lamy syndrome; ARSB DEFICIENCY; ARYLSULFATASE B DEFICIENCY; N-ACETYLGALACTOSAMINE-4-SULFATASE DEFICIENCY; MPS VI. Identifiers: Orphanet 583, MedGen C0026709, MONDO:0009661, OMIM 253200.

Submission:

Labcorp Genetics (formerly Invitae), Labcorp
Classification: Likely pathogenic for Mucopolysaccharidosis type 6. Last evaluated: 2023-05-22. Review status: criteria provided, single submitter. Criteria: Invitae Variant Classification Sherloc (09022015). Collection method: clinical testing. Allele origin: germline.
Comment: In summary, the currently available evidence indicates that the variant is pathogenic, but additional data are needed to prove that conclusively. Therefore, this variant has been classified as Likely Pathogenic. This variant disrupts the p.Gly56A amino acid residue in ARSB. Other variant(s) that disrupt this residue have been determined to be pathogenic (Invitae). This suggests that this residue is clinically significant, and that variants that disrupt this residue are likely to be disease-causing. Advanced modeling of protein sequence and biophysical properties (such as structural, functional, and spatial information, amino acid conservation, physicochemical variation, residue mobility, and thermodynamic stability) performed at Invitae indicates that this missense variant is expected to disrupt ARSB protein function. This variant has not been reported in the literature in individuals affected with ARSB-related conditions. This variant is not present in population databases (gnomAD no frequency). This sequence change replaces glycine, which is neutral and non-polar, with serine, which is neutral and polar, at codon 56 of the ARSB protein (p.Gly56Ser).